The following is an entry in ClinVar:

NM_001387777.1(TNS1):c.1545G>A (p.Ser515=)

Gene: TNS1 (tensin 1; minus strand). Cytogenetic location: 2q35.
Variant type: single nucleotide variant.
Coding change: c.1545G>A on transcript NM_001387777.1 (MANE Select); coding-DNA position 1545, G replaced by A.
Protein change: p.Ser515=; no amino-acid change (serine 515 retained).
Molecular consequence: synonymous variant.
Genome position (GRCh38, 1-based): chr2:217,848,972, C>T on the plus strand (G>A on the coding strand, the complement: TNS1 is on the minus strand). VCF-style: chr2-217848972-C-T. GRCh37 (hg19) VCF-style: chr2-218713695-C-T.
Other names: c.1170G>A, p.Ser390= (NM_001308022.2, NM_001308023.2, NM_022648.7).
Identifiers: ClinVar variation 769586 (VCV000769586.7), dbSNP rs61743889, ClinGen allele CA2100452.
Genomic context (GRCh38, chr2:217,848,972, plus strand): 5'-TGTGGAGTTGCCCGAGTCGCTGCTCACAGAAAGCGTGTGTTCCACGTGGTTGGGGGTGGC[C>T]GACAGTGTAGGACGTGTGGCATTAACAGCCCCGGTGCTGCCGTGCAGGGAGTCTTTCTTC-3'
Protein context (NP_001374706.1, residues 505-525): GAVNATRPTL[Ser515=]ATPNHVEHTL

ClinVar aggregate classification (germline): Benign. Review status: criteria provided, multiple submitters, no conflicts (2 of 4 stars). 3 submissions from 3 submitters: Benign (2). 1 of the submissions does not count toward it. Last evaluated 2019-12-31.

Conditions:
TNS1-related disorder. Also called: TNS1-related condition.

Allele frequency attached by ClinVar (database versions not stated): gnomAD exomes 0.00216 and 0.00587; ExAC 0.00698; gnomAD 0.02227 and 0.02391; 1000 Genomes Project 30x 0.02389; 1000 Genomes Project 0.02396; TOPMed 0.02523; ESP Exome Variant Server 0.02706.
gnomAD v4.1: 6,694 of 1,613,822 alleles (0.41%); highest among the groups gnomAD compares: African/African-American, 7.8%; 230 homozygotes.

Submissions (3):

Labcorp Genetics (formerly Invitae), Labcorp
Classification: Benign. Last evaluated: 2019-12-31. Review status: criteria provided, single submitter. Criteria: Invitae Variant Classification Sherloc (09022015). Collection method: clinical testing. Allele origin: germline.

Breakthrough Genomics
Classification: Benign. Review status: criteria provided, single submitter. Criteria: ACMG Guidelines, 2015. Collection method: not provided. Allele origin: germline. Inheritance: Unknown mechanism. Affected: yes.

PreventionGenetics, part of Exact Sciences
Classification: Benign for TNS1-related condition. Last evaluated: 2019-04-11. Review status: no assertion criteria provided. Collection method: clinical testing. Allele origin: germline. Not counted in ClinVar's aggregate classification.
Comment: This variant is classified as benign based on ACMG/AMP sequence variant interpretation guidelines (Richards et al. 2015 PMID: 25741868, with internal and published modifications).